The following is an entry in ClinVar:

ClinVar aggregate classification (germline): Likely benign. Review status: criteria provided, multiple submitters, no conflicts (2 of 4 stars). 2 submissions from 2 submitters: Likely benign (2). Last evaluated 2024-10-08.

Conditions:
Familial cancer of breast. Also called: BREAST CANCER, FAMILIAL; hereditary breast carcinoma; Hereditary breast cancer. Identifiers: Orphanet 227535, MedGen C0346153, MONDO:0016419, OMIM 114480. Disease mechanism: loss of function.

Submissions (2):

Myriad Genetics, Inc.
Classification: Likely benign for Familial cancer of breast. Last evaluated: 2024-10-08. Review status: criteria provided, single submitter. Criteria: Myriad Autosomal Dominant, Autosomal Recessive and X-Linked Classification Criteria (2023). Collection method: clinical testing. Allele origin: unknown.
Comment: This variant is considered likely benign. This variant is intronic and is not expected to impact mRNA splicing.

Labcorp Genetics (formerly Invitae), Labcorp
Classification: Likely benign for Familial cancer of breast. Last evaluated: 2022-12-07. Review status: criteria provided, single submitter. Criteria: Invitae Variant Classification Sherloc (09022015). Collection method: clinical testing. Allele origin: germline.

NM_007194.4(CHEK2):c.1543-13C>T

Gene: CHEK2 (checkpoint kinase 2; minus strand). Cytogenetic location: 22q12.1.
Variant type: single nucleotide variant.
Coding change: c.1543-13C>T on transcript NM_007194.4 (MANE Select); 13 bases into the intron before coding-DNA position 1543, C replaced by T.
Molecular consequence: intron variant.
Genome position (GRCh38, 1-based): chr22:28,687,999, G>A on the plus strand (C>T on the coding strand, the complement: CHEK2 is on the minus strand). VCF-style: chr22-28687999-G-A. GRCh37 (hg19) VCF-style: chr22-29083987-G-A.
Other names: c.880-13C>T (NM_001437942.1, NM_001257387.3); c.1342-13C>T (NM_001349956.3); c.1456-13C>T (NM_145862.3); c.1549-13C>T (NM_001438295.1); c.1636-13C>T (NM_001438293.1); c.1585-13C>T (NM_001438294.1); c.1672-13C>T (NM_001005735.3).
Identifiers: ClinVar variation 2819141 (VCV002819141.4), dbSNP rs2145739827, ClinGen allele CA2737948784.
Genomic context (GRCh38, chr22:28,687,999, plus strand): 5'-GGCACCCTCGGCTTCCCCTTCACGGGGCCGCTTTCGACTAGTAGAAGGCTGAAAATAAAG[G>A]AAAATGGAGAAATGTTCAAAAGAAAATCACTGGCTTCTTTAAGATTATCAAAGTTCCTCA-3'